The following is an entry in ClinVar:

ClinVar aggregate classification (germline): Uncertain significance (1 of 4 stars; one submission).

Conditions:
Pulmonary fibrosis and/or bone marrow failure, Telomere-related, 3. Also called: PULMONARY FIBROSIS AND/OR BONE MARROW FAILURE SYNDROME, TELOMERE-RELATED, 3. Identifiers: Orphanet 2032, MedGen C4225346, MONDO:0014613, OMIM 616373.
Dyskeratosis congenita, autosomal recessive 5 (DKCB5). Identifiers: MedGen C3554656, MONDO:0014076, OMIM 615190.

Submission:

Labcorp Genetics (formerly Invitae), Labcorp
Classification: Uncertain significance for Dyskeratosis congenita, autosomal recessive 5; Pulmonary fibrosis and/or bone marrow failure, Telomere-related, 3. Last evaluated: 2024-05-08. Review status: criteria provided, single submitter. Criteria: Invitae Variant Classification Sherloc (09022015). Collection method: clinical testing. Allele origin: germline.
Comment: This sequence change falls in intron 11 of the RTEL1 gene. It does not directly change the encoded amino acid sequence of the RTEL1 protein. This variant is not present in population databases (gnomAD no frequency). This variant has not been reported in the literature in individuals affected with RTEL1-related conditions. ClinVar contains an entry for this variant (Variation ID: 1503691). Algorithms developed to predict the effect of sequence changes on RNA splicing suggest that this variant may disrupt the consensus splice site. In summary, the available evidence is currently insufficient to determine the role of this variant in disease. Therefore, it has been classified as a Variant of Uncertain Significance.

NM_001283009.2(RTEL1):c.959-5C>G

Genes: RTEL1 (regulator of telomere elongation helicase 1; plus strand), RTEL1-TNFRSF6B (RTEL1-TNFRSF6B readthrough (NMD candidate); plus strand). Cytogenetic location: 20q13.33.
Variant type: single nucleotide variant.
Coding change: c.959-5C>G on transcript NM_001283009.2 (MANE Select); 5 bases into the intron before coding-DNA position 959, C replaced by G.
Molecular consequence: intron variant.
Genome position (GRCh38, 1-based): chr20:63,678,263, C>G. VCF-style: chr20-63678263-C-G. GRCh37 (hg19) VCF-style: chr20-62309616-C-G.
Other names: c.290-5C>G (NM_001283010.1); c.1031-5C>G (NM_032957.5); c.959-5C>G (NM_016434.4).
Identifiers: ClinVar variation 1503691 (VCV001503691.6), dbSNP rs2090398159, ClinGen allele CA2374923999.